The following is an entry in ClinVar:

ClinVar aggregate classification (germline): Uncertain significance. Review status: criteria provided, multiple submitters, no conflicts (2 of 4 stars). 4 submissions from 4 submitters: Uncertain significance (4). Last evaluated 2025-06-02.

Conditions:
Norman-Roberts syndrome (LIS2). Also called: Lissencephaly 2 (Norman-Roberts type). Identifiers: Orphanet 89844, MedGen C0796089, MONDO:0009760, OMIM 257320.
Familial temporal lobe epilepsy 7. Identifiers: Orphanet 101046, MedGen C4225327, MONDO:0014639, OMIM 616436.
Inborn genetic diseases. Identifiers: MedGen C0950123, MeSH D030342.

Allele frequency attached by ClinVar (database versions not stated): TOPMed 0.00008; ExAC 0.00010; gnomAD 0.00013; ESP Exome Variant Server 0.00015; 1000 Genomes Project 30x 0.00016; 1000 Genomes Project 0.00020.
gnomAD v4.1: 47 of 1,613,672 alleles (0.0029%); highest among the groups gnomAD compares: African/African-American, 0.044%; no homozygotes.

Submissions (4):

Labcorp Genetics (formerly Invitae), Labcorp
Classification: Uncertain significance for Familial temporal lobe epilepsy 7; Norman-Roberts syndrome. Last evaluated: 2025-06-02. Review status: criteria provided, single submitter. Criteria: Invitae Variant Classification Sherloc (09022015). Collection method: clinical testing. Allele origin: germline.
Comment: This sequence change replaces proline, which is neutral and non-polar, with leucine, which is neutral and non-polar, at codon 1990 of the RELN protein (p.Pro1990Leu). This variant is present in population databases (rs149473868, gnomAD 0.05%). This variant has not been reported in the literature in individuals affected with RELN-related conditions. ClinVar contains an entry for this variant (Variation ID: 429549). An algorithm developed to predict the effect of missense changes on protein structure and function (PolyPhen-2) suggests that this variant is likely to be disruptive. In summary, the available evidence is currently insufficient to determine the role of this variant in disease. Therefore, it has been classified as a Variant of Uncertain Significance.

GeneDx
Classification: Uncertain significance. Last evaluated: 2023-11-01. Review status: criteria provided, single submitter. Criteria: GeneDx Variant Classification Process June 2021. Collection method: clinical testing. Allele origin: germline. Affected: yes.
Comment: In silico analysis supports that this missense variant does not alter protein structure/function; Has not been previously published as pathogenic or benign to our knowledge; This variant is associated with the following publications: (PMID: 33004838)

Blueprint Genetics
Classification: Uncertain significance. Last evaluated: 2023-10-30. Review status: criteria provided, single submitter. Criteria: ACMG Guidelines, 2015. Collection method: clinical testing. Allele origin: germline.

Ambry Genetics
Classification: Uncertain significance for Inborn genetic diseases. Last evaluated: 2017-06-19. Review status: criteria provided, single submitter. Criteria: Ambry exome assertion method (8-5-2015). Collection method: clinical testing. Allele origin: germline. Affected: yes. Observed: 1 variant allele.

NM_005045.4(RELN):c.5969C>T (p.Pro1990Leu)

Gene: RELN (reelin; minus strand). Cytogenetic location: 7q22.1.
Variant type: single nucleotide variant.
Coding change: c.5969C>T on transcript NM_005045.4 (MANE Select); coding-DNA position 5969, C replaced by T.
Protein change: p.Pro1990Leu; replaces proline 1990 with leucine.
Molecular consequence: missense variant.
Genome position (GRCh38, 1-based): chr7:103,553,660, G>A on the plus strand (C>T on the coding strand, the complement: RELN is on the minus strand). VCF-style: chr7-103553660-G-A. GRCh37 (hg19) VCF-style: chr7-103194107-G-A.
Other names: c.5969C>T, p.Pro1990Leu (NM_173054.3); short protein forms P1990L.
Identifiers: ClinVar variation 429549 (VCV000429549.13), dbSNP rs149473868, ClinGen allele CA4421071.